The following is an entry in ClinVar:

ClinVar aggregate classification (germline): Likely pathogenic (1 of 4 stars; one submission).

Conditions:
Hypertrophic cardiomyopathy 9. Also called: Familial hypertrophic cardiomyopathy 9. Identifiers: MedGen C1861065, MONDO:0013412, OMIM 613765.
Dilated cardiomyopathy 1G (CMD1G). Identifiers: Orphanet 154, MedGen C1858763, MONDO:0011400, OMIM 604145.
Myopathy, myofibrillar, 9, with early respiratory failure (MFM9). Also called: Hereditary myopathy with early respiratory failure; EDSTROM MYOPATHY; MYOPATHY, PROXIMAL, WITH EARLY RESPIRATORY MUSCLE INVOLVEMENT; Myopathy, distal, with early respiratory failure, autosomal dominant. Identifiers: Orphanet 178464, Orphanet 34521, MedGen C1863599, MONDO:0011362, OMIM 603689.
Tibial muscular dystrophy (TMD). Also called: Udd Distal Myopathy – Tibial Muscular Dystrophy; UDD MYOPATHY; Tibial muscular dystrophy, tardive. Identifiers: Orphanet 609, MedGen C1838244, MONDO:0010870, OMIM 600334.

Submission:

Kariminejad - Najmabadi Pathology & Genetics Center
Classification: Likely pathogenic for Dilated cardiomyopathy 1G; Hypertrophic cardiomyopathy 9; Myopathy, myofibrillar, 9, with early respiratory failure; Tibial muscular dystrophy. Last evaluated: 2020-01-14. Review status: criteria provided, single submitter. Criteria: ACMG Guidelines, 2015. Collection method: clinical testing. Allele origin: germline. Inheritance: Autosomal dominant inheritance. Affected: yes.
Comment: PVS1?(exonic in one Maneselect transcript and intronic in another maneselect transcript) ,PM2

NM_001267550.2(TTN):c.23685del (p.Glu7896fs)

Gene: TTN (titin; minus strand). Cytogenetic location: 2q31.2.
Variant type: Deletion.
Coding change: c.23685del on transcript NM_001267550.2 (MANE Select); coding-DNA position 23685, one base deleted (C; older notation c.23685delC).
Protein change: p.Glu7896fs; shifts the reading frame from glutamic acid 7896.
Molecular consequence: frameshift variant. On other transcripts: intron variant (3).
Genome position (GRCh38, 1-based): chr2:178,719,807, G deleted on the plus strand (C on the coding strand, the reverse complement: TTN is on the minus strand); the first of 3 consecutive G bases (chr2:178,719,807-178,719,809); deleting any one gives the same sequence. VCF-style (leftmost placement, unchanged base first): chr2-178719806-CG-C. GRCh37 (hg19) VCF-style: chr2-179584533-CG-C.
Other names: c.23685delC (NM_001267550.2); c.22734del, p.Glu7579fs (NM_001256850.1); c.19953del, p.Glu6652fs (NM_133378.4); c.13282+18275del (NM_003319.4); c.13858+18275del (NM_133437.4); c.13657+18275del (NM_133432.3); short protein forms E6652fs, E7579fs, E7896fs.
Identifiers: ClinVar variation 1285374 (VCV001285374.1).
Genomic context (GRCh38, chr2:178,719,806, plus strand): 5'-GTGTTCCAGTCACTACACACTCTAATGCAAAAGGATTTCCAGTAGTGACAGTCATGGGTT[CG>C]GGCTTCTCTATGATTCTTGCTGGTTCTAAAAGAAGAAGTATTTTGCATTGAAAACAAAGT-3'